The following is an entry in ClinVar:

NM_000552.5(VWF):c.6095C>T (p.Pro2032Leu)

Gene: VWF (von Willebrand factor; minus strand). Cytogenetic location: 12p13.31.
Variant type: single nucleotide variant.
Coding change: c.6095C>T on transcript NM_000552.5 (MANE Select); coding-DNA position 6095, C replaced by T.
Protein change: p.Pro2032Leu; replaces proline 2032 with leucine.
Molecular consequence: missense variant.
Genome position (GRCh38, 1-based): chr12:5,994,576, G>A on the plus strand (C>T on the coding strand, the complement: VWF is on the minus strand). VCF-style: chr12-5994576-G-A. GRCh37 (hg19) VCF-style: chr12-6103742-G-A.
Other names: short protein forms P2032L.
Identifiers: ClinVar variation 3768320 (VCV003768320.1).
Genomic context (GRCh38, chr12:5,994,576, plus strand): 5'-AATCTGACCTCATGCATGATGGCACCATAAACGTTGACTTCCATGTTCCCACCCACGTAA[G>A]GAACAGAGACCAGTCTCCCATTCACCGTCACCTGCACAAAGAAGAAAGAGCTCATCCGTA-3'
Protein context (NP_000543.3, residues 2022-2042): VTVNGRLVSV[Pro2032Leu]YVGGNMEVNV

ClinVar aggregate classification (germline): Uncertain significance (1 of 4 stars; one submission).

gnomAD v4.1: 3 of 1,613,990 alleles (0.00019%); highest among the groups gnomAD compares: East Asian, 0.0022%; no homozygotes.

Submission:

Women's Health and Genetics/Laboratory Corporation of America, LabCorp
Classification: Uncertain significance. Last evaluated: 2024-12-03. Review status: criteria provided, single submitter. Criteria: LabCorp Variant Classification Summary - May 2015. Collection method: clinical testing. Allele origin: germline.
Comment: Variant summary: VWF c.6095C>T (p.Pro2032Leu) results in a non-conservative amino acid change in the encoded protein sequence. Five of five in-silico tools predict a damaging effect of the variant on protein function. The variant allele was found at a frequency of 8e-06 in 251192 control chromosomes. The available data on variant occurrences in the general population are insufficient to allow any conclusion about variant significance. To our knowledge, no occurrence of c.6095C>T in individuals affected with Von Willebrand Disease and no experimental evidence demonstrating its impact on protein function have been reported. No submitters have cited clinical-significance assessments for this variant to ClinVar. Based on the evidence outlined above, the variant was classified as uncertain significance.